The following is an entry in ClinVar:

NM_000140.3(FECH):c.1078_1137del

Gene: FECH (ferrochelatase; minus strand). Cytogenetic location: 18q21.3.
Variant type: single nucleotide variant.
Coding change: c.1078_1137del on transcript NM_000140.3; coding-DNA positions 1078 to 1137, 60 bases deleted.
Molecular consequence: nonsense (on NM_000140.5). On other transcripts: intron variant (1).
Genome position: GRCh38 VCF-style: chr18-57551317-T-A. GRCh37 (hg19) VCF-style: chr18-55218549-T-A.
Other names: EX10DEL; c.1135A>T, p.Lys379Ter (NM_000140.5); c.1153A>T, p.Lys385Ter (NM_001012515.4); c.1036A>T, p.Lys346Ter (NM_001371094.1); c.919A>T, p.Lys307Ter (NM_001371095.1); c.1078-471A>T (NM_001374778.1); short protein forms K379*, K385*, K307*, K346*.
Identifiers: ClinVar variation 557 (VCV000000557.4), dbSNP rs879255507, ClinGen allele CA10575465.

ClinVar aggregate classification (germline): Pathogenic. Review status: criteria provided, single submitter (1 of 4 stars). 2 submissions from 2 submitters: Pathogenic (1). 1 of the submissions does not count toward it. Last evaluated 2025-10-14.

Conditions:
Protoporphyria, erythropoietic, 1 (EPP1). Also called: Erythropoietic Protoporphyria, Autosomal Recessive; FERROCHELATASE DEFICIENCY; HEME SYNTHETASE DEFICIENCY. Identifiers: Orphanet 79278, MedGen C4692546, MONDO:0008319, OMIM 177000.

Allele frequency attached by ClinVar (database versions not stated): gnomAD 0.00001; gnomAD exomes 0.00001; TOPMed 0.00002.
gnomAD v4.1: 12 of 1,606,970 alleles (0.00075%); highest among the groups gnomAD compares: Non-Finnish European, 0.001%; no homozygotes.

Submissions (2):

Labcorp Genetics (formerly Invitae), Labcorp
Classification: Pathogenic. Last evaluated: 2025-10-14. Review status: criteria provided, single submitter. Criteria: Invitae Variant Classification Sherloc (09022015). Collection method: clinical testing. Allele origin: germline.
Comment: This sequence change creates a premature translational stop signal (p.Lys379*) in the FECH gene. While this is not anticipated to result in nonsense mediated decay, it is expected to disrupt the last 45 amino acid(s) of the FECH protein. This variant is present in population databases (no rsID available, gnomAD 0.007%). This premature translational stop signal has been observed in individual(s) with clinical features of erythropoietic protoporphyria (PMID: 8481408, 20412370). ClinVar contains an entry for this variant (Variation ID: 557). Algorithms developed to predict the effect of sequence changes on RNA splicing suggest that this variant may disrupt the consensus splice site. This variant disrupts a region of the FECH protein in which other variant(s) (p.Cys406Tyr) have been determined to be pathogenic (PMID: 10942404; internal data). This suggests that this is a clinically significant region of the protein, and that variants that disrupt it are likely to be disease-causing. For these reasons, this variant has been classified as Pathogenic.

OMIM
Classification: Pathogenic for PROTOPORPHYRIA, ERYTHROPOIETIC, 1. Last evaluated: 1998-07-01. Review status: no assertion criteria provided. Collection method: literature only. Allele origin: germline. Not counted in ClinVar's aggregate classification.

Literature cited by the submitters: PubMed 8481408 (cited by Labcorp Genetics (formerly Invitae), Labcorp and OMIM); PubMed 20412370 (cited by Labcorp Genetics (formerly Invitae), Labcorp); PubMed 10942404 (cited by Labcorp Genetics (formerly Invitae), Labcorp); PubMed 9649563 (cited by OMIM).